The following is an entry in ClinVar:

ClinVar aggregate classification (germline): Uncertain significance (1 of 4 stars; one submission).

Conditions:
Cardiovascular phenotype. Identifiers: MedGen CN230736.

Allele frequency attached by ClinVar (database versions not stated): TOPMed 0.00001.

Submission:

Ambry Genetics
Classification: Uncertain significance for Cardiovascular phenotype. Last evaluated: 2022-02-04. Review status: criteria provided, single submitter. Criteria: Ambry Variant Classification Scheme 2023. Collection method: clinical testing. Allele origin: germline.
Comment: The p.G3024A variant (also known as c.9071G>C), located in coding exon 25 of the TNXB gene, results from a G to C substitution at nucleotide position 9071. The glycine at codon 3024 is replaced by alanine, an amino acid with similar properties. This amino acid position is conserved. In addition, this alteration is predicted to be tolerated by in silico analysis. Since supporting evidence is limited at this time, the clinical significance of this alteration remains unclear.

NM_001365276.2(TNXB):c.9077G>C (p.Gly3026Ala)

Gene: TNXB (tenascin XB; minus strand). Cytogenetic location: 6p21.33.
Variant type: single nucleotide variant.
Coding change: c.9077G>C on transcript NM_001365276.2 (MANE Select); coding-DNA position 9077, G replaced by C.
Protein change: p.Gly3026Ala; replaces glycine 3026 with alanine.
Molecular consequence: missense variant.
Genome position (GRCh38, 1-based): chr6:32,052,708, C>G on the plus strand (G>C on the coding strand, the complement: TNXB is on the minus strand). VCF-style: chr6-32052708-C-G. GRCh37 (hg19) VCF-style: chr6-32020485-C-G.
Other names: c.9071G>C, p.Gly3024Ala (NM_019105.8); short protein forms G3024A, G3026A.
Identifiers: ClinVar variation 1765679 (VCV001765679.2), dbSNP rs1400957210, ClinGen allele CA363544895.